The following is an entry in ClinVar:

NM_001122681.2(SH3BP2):c.*4834G>A

Gene: SH3BP2 (SH3 domain binding protein 2; plus strand). Cytogenetic location: 4p16.3.
Variant type: single nucleotide variant.
Coding change: c.*4834G>A on transcript NM_001122681.2 (MANE Select); 4834 bases downstream of the stop codon, G replaced by A.
Molecular consequence: 3 prime UTR variant.
Genome position (GRCh38, 1-based): chr4:2,838,668, G>A. VCF-style: chr4-2838668-G-A. GRCh37 (hg19) VCF-style: chr4-2840395-G-A.
Other names: c.*4834G>A (LRG_1334t2, LRG_1334t1, NM_001145855.2 and 2 more transcripts).
Identifiers: ClinVar variation 348679 (VCV000348679.5), dbSNP rs147679025, ClinGen allele CA10620978.
Genomic context (GRCh38, chr4:2,838,668, plus strand): 5'-TTTCTTAAAACATTATAAAGATTTTTGTTTGCGATTTTTTTTTTTAGCTCATCAGCTATA[G>A]TTAGTGGTAGTGTATTTTATGCGTGACCCGAGACAGTTCTTCCGGTATGGTCCATGGAAG-3'

ClinVar aggregate classification (germline): Benign (1 of 4 stars; one submission).

Conditions:
Fibrous dysplasia of jaw (CRBM). Also called: Cherubism. Identifiers: Orphanet 184, MedGen C0008029, MONDO:0007315, OMIM 118400.

Allele frequency attached by ClinVar (database versions not stated): 1000 Genomes Project 0.00759; 1000 Genomes Project 30x 0.00765; TOPMed 0.00981; gnomAD 0.01089 and 0.01094.

Submission:

Illumina Laboratory Services, Illumina
Classification: Benign for Fibrous dysplasia of jaw. Last evaluated: 2018-01-12. Review status: criteria provided, single submitter. Criteria: ICSL Variant Classification Criteria 13 December 2019. Collection method: clinical testing. Allele origin: germline.
Comment: This variant was observed in the ICSL laboratory as part of a predisposition screen in an ostensibly healthy population. It had not been previously curated by ICSL or reported in the Human Gene Mutation Database (HGMD: prior to June 1st, 2018), and was therefore a candidate for classification through an automated scoring system. Utilizing variant allele frequency, disease prevalence and penetrance estimates, and inheritance mode, an automated score was calculated to assess if this variant is too frequent to cause the disease. Based on the score and internal cut-off values, a variant classified as benign is not then subjected to further curation. The score for this variant resulted in a classification of benign for this disease.